The following is an entry in ClinVar:

NM_000548.5(TSC2):c.3914C>T (p.Pro1305Leu)

Gene: TSC2 (TSC complex subunit 2; plus strand). Cytogenetic location: 16p13.3.
Variant type: single nucleotide variant.
Coding change: c.3914C>T on transcript NM_000548.5 (MANE Select); coding-DNA position 3914, C replaced by T.
Protein change: p.Pro1305Leu; replaces proline 1305 with leucine.
Molecular consequence: missense variant.
Genome position (GRCh38, 1-based): chr16:2,083,725, C>T. VCF-style: chr16-2083725-C-T. GRCh37 (hg19) VCF-style: chr16-2133726-C-T.
Other names: p.P1305L:CCG>CTG; c.3914C>T (NM_000548.4); c.3713C>T, p.Pro1238Leu (NM_001077183.3); c.3845C>T, p.Pro1282Leu (NM_001114382.3); c.3605C>T, p.Pro1202Leu (NM_001318827.2); c.3569C>T, p.Pro1190Leu (NM_001318829.2); c.3182C>T, p.Pro1061Leu (NM_001318831.2); c.3746C>T, p.Pro1249Leu (NM_001318832.2); and 3 more; short protein forms P1305L, P1061L, P1202L, P1261L, P1238L, P1249L, P1190L, P1262L.
Identifiers: ClinVar variation 41737 (VCV000041737.48), dbSNP rs45517320, ClinGen allele CA019686.
Genomic context (GRCh38, chr16:2,083,725, plus strand): 5'-CATCCAGCAGCCCCGTCTGTGTCCTCCCAGACTCCGCCGTGGTCATGGAGGAGGGAAGTC[C>T]GGGCGAGGTTCCTGTGCTGGTGGAGCCCCCAGGGTTGGAGGACGTTGAGGCAGCGCTAGG-3'
Protein context (NP_000539.2, residues 1295-1315): DSAVVMEEGS[Pro1305Leu]GEVPVLVEPP

ClinVar aggregate classification (germline): Benign/Likely benign. Review status: criteria provided, multiple submitters, no conflicts (2 of 4 stars). 28 submissions from 28 submitters: Benign (16); Likely benign (5). 7 of the submissions do not count toward it. Last evaluated 2026-02-04.

Conditions:
Lymphangiomyomatosis (LAM). Also called: Lymphangioleiomyomatosis, somatic; Lymphangioleiomyomatosis. Identifiers: Orphanet 538, MedGen C0751674, MONDO:0011705, OMIM 606690.
Isolated focal cortical dysplasia type II (FCORD2). Also called: CORTICAL DYSPLASIA OF TAYLOR; Focal cortical dysplasia type II. Identifiers: Orphanet 268994, MedGen C1846385, MONDO:0011818, OMIM 607341, HP:0032051.
Tuberous sclerosis 2 (TSC2). Identifiers: Orphanet 805, MedGen C1860707, MONDO:0013199, OMIM 613254.
Hereditary cancer-predisposing syndrome. Also called: Tumor predisposition; Neoplastic Syndromes, Hereditary; Hereditary neoplastic syndrome; Hereditary Cancer Syndrome. Identifiers: Orphanet 140162, MedGen C0027672, MeSH D009386, MONDO:0015356.
Tuberous sclerosis syndrome (TSC). Also called: Tuberous Sclerosis Complex; Tuberous sclerosis. Identifiers: Orphanet 805, MedGen C0041341, MONDO:0001734.

Allele frequency attached by ClinVar (database versions not stated): gnomAD 0.00705 and 0.00758; ESP Exome Variant Server 0.00719; TOPMed 0.00812; 1000 Genomes Project 0.00919; 1000 Genomes Project 30x 0.01077.
gnomAD v4.1: 2,101 of 1,597,668 alleles (0.13%); highest among the groups gnomAD compares: African/African-American, 2.3%; 30 homozygotes.

Submissions (28):

Labcorp Genetics (formerly Invitae), Labcorp
Classification: Benign for Tuberous sclerosis 2. Last evaluated: 2026-02-04. Review status: criteria provided, single submitter. Criteria: Invitae Variant Classification Sherloc (09022015). Collection method: clinical testing. Allele origin: germline.

Quest Diagnostics Nichols Institute San Juan Capistrano
Classification: Benign. Last evaluated: 2025-08-21. Review status: criteria provided, single submitter. Criteria: Quest Diagnostics criteria. Collection method: clinical testing. Allele origin: unknown.

Myriad Genetics, Inc.
Classification: Benign for Tuberous sclerosis 2. Last evaluated: 2025-06-02. Review status: criteria provided, single submitter. Criteria: Myriad Autosomal Dominant, Autosomal Recessive and X-Linked Classification Criteria (2023). Collection method: clinical testing. Allele origin: unknown.
Comment: This variant is considered benign. Homozygosity has been confirmed in one or more individuals. As homozygosity for pathogenic variants in this gene is generally assumed to result in embryonic lethality, this variant is unlikely to be pathogenic. This variant has been observed at a population frequency that is significantly greater than expected given the associated disease prevalence and penetrance.

Mayo Clinic Laboratories, Mayo Clinic
Classification: Benign. Last evaluated: 2024-11-17. Review status: criteria provided, single submitter. Criteria: ACMG Guidelines, 2015. Collection method: clinical testing. Allele origin: germline. Observed: 7 variant alleles.
Comment: BS1, BS2

Blueprint Genetics
Classification: Likely benign. Last evaluated: 2024-11-13. Review status: criteria provided, single submitter. Criteria: ACMG Guidelines, 2015. Collection method: clinical testing. Allele origin: germline.

All of Us Research Program, National Institutes of Health
Classification: Benign for Tuberous sclerosis syndrome. Last evaluated: 2024-09-27. Review status: criteria provided, single submitter. Criteria: ACMG Guidelines, 2015. Collection method: clinical testing. Allele origin: germline. Inheritance: Autosomal dominant inheritance. Observed: 620 variant alleles, 614 heterozygotes, 6 homozygotes.
Comment: This study involves interpretation of variants in research participants for the purpose of population health screening. Participant phenotype was not available at the time of variant classification. Additional details can be found in publication PMID: 35346344, PMCID: PMC8962531

ARUP Laboratories, Molecular Genetics and Genomics, ARUP Laboratories
Classification: Benign. Last evaluated: 2024-08-30. Review status: criteria provided, single submitter. Criteria: ARUP Molecular Germline Variant Investigation Process 2024. Collection method: clinical testing. Allele origin: germline.

KCCC/NGS Laboratory, Kuwait Cancer Control Center
Classification: Benign for Tuberous sclerosis 2. Last evaluated: 2023-07-07. Review status: criteria provided, single submitter. Criteria: ACMG Guidelines, 2015. Collection method: clinical testing. Allele origin: germline. Affected: yes.

Color Diagnostics, LLC DBA Color Health
Classification: Benign for Tuberous sclerosis syndrome. Last evaluated: 2022-08-17. Review status: criteria provided, single submitter. Criteria: ACMG Guidelines, 2015. Collection method: clinical testing. Allele origin: germline.

Genome-Nilou Lab
Classification: Benign for Tuberous sclerosis 2. Last evaluated: 2021-11-07. Review status: criteria provided, single submitter. Criteria: ACMG Guidelines, 2015. Collection method: clinical testing. Allele origin: germline. Affected: no.

Department of Pathology and Laboratory Medicine, Sinai Health System
Classification: Benign for Lymphangiomyomatosis; Isolated focal cortical dysplasia type II; Tuberous sclerosis 2. Last evaluated: 2021-10-13. Review status: criteria provided, single submitter. Criteria: ACMG Guidelines, 2015. Collection method: clinical testing. Allele origin: germline. Affected: yes.

Illumina Laboratory Services, Illumina
Classification: Likely benign for Tuberous sclerosis syndrome. Last evaluated: 2018-02-09. Review status: criteria provided, single submitter. Criteria: ICSL Variant Classification Criteria 13 December 2019. Collection method: clinical testing. Allele origin: germline.
Comment: This variant was observed as part of a predisposition screen in an ostensibly healthy population. A literature search was performed for the gene, cDNA change, and amino acid change (where applicable). Publications were found based on this search. The evidence from the literature, in combination with allele frequency data from public databases where available, was sufficient to determine this variant is unlikely to cause disease. Therefore, this variant is classified as likely benign.

Center for Pediatric Genomic Medicine, Children's Mercy Hospital and Clinics
Classification: Likely benign. Last evaluated: 2017-06-12. Review status: criteria provided, single submitter. Criteria: ACMG Guidelines, 2015. Collection method: clinical testing. Allele origin: germline.

Athena Diagnostics
Classification: Benign for Tuberous sclerosis 2. Last evaluated: 2017-05-24. Review status: criteria provided, single submitter. Criteria: Athena Diagnostics Criteria. Collection method: clinical testing. Allele origin: germline.

Women's Health and Genetics/Laboratory Corporation of America, LabCorp
Classification: Benign. Last evaluated: 2016-08-23. Review status: criteria provided, single submitter. Criteria: LabCorp Variant Classification Summary - May 2015. Collection method: clinical testing. Allele origin: germline.
Comment: Variant summary: The TSC2 c.3914C>T (p.Pro1305Leu) variant causes a missense change involving a non-conserved nucleotide. 2/4 in silico tools (SNPs&GO not captured due to low reliability index) predicting a benign outcome, although these predictions have yet to be functionally assessed. The variant of interest was observed in the large, broad control population, ExAC, with an allele frequency of 232/49978 (5 homozygotes, 1/250), predominantly in the African cohort, 220/5384 (1/24), which significantly exceeds the estimated maximal expected allele frequency for a pathogenic TSC2 variant of 1/14534 (0.0000688). Therefore, suggesting the variant is a common benign polymorphism found in population(s) of African origin. In addition, multiple reputable clinical laboratories/databases cite the variant as "likely benign/benign." Therefore, the variant of interest has been classified as Benign.

Vantari Genetics
Classification: Likely benign for Hereditary cancer-predisposing syndrome. Last evaluated: 2016-02-04. Review status: criteria provided, single submitter. Criteria: ACMG Guidelines, 2015. Collection method: clinical testing. Allele origin: germline.

Ambry Genetics
Classification: Benign for Hereditary cancer-predisposing syndrome. Last evaluated: 2014-12-22. Review status: criteria provided, single submitter. Criteria: Ambry Variant Classification Scheme 2023. Collection method: clinical testing. Allele origin: germline.

Laboratory for Molecular Medicine, Mass General Brigham Personalized Medicine
Classification: Benign. Last evaluated: 2013-02-21. Review status: criteria provided, single submitter. Criteria: LMM Criteria. Collection method: clinical testing. Allele origin: germline. Observed: 1 variant allele.
Comment: Pro1305Leu in exon 33 of TSC2: This variant is not expected to have clinical sig nificance because it has been identified in 2.1% (91/4368) of African American c hromosomes from a broad population by the NHLBI Exome Sequencing Project (dbSNP rs45517320).

GeneDx
Classification: Benign. Last evaluated: 2012-05-11. Review status: criteria provided, single submitter. Criteria: GeneDx Variant Classification (06012015). Collection method: clinical testing. Allele origin: germline. Affected: yes.
Comment: This variant is considered likely benign or benign based on one or more of the following criteria: it is a conservative change, it occurs at a poorly conserved position in the protein, it is predicted to be benign by multiple in silico algorithms, and/or has population frequency not consistent with disease.

Breakthrough Genomics
Classification: Likely benign. Review status: criteria provided, single submitter. Criteria: ACMG Guidelines, 2015. Collection method: not provided. Allele origin: germline. Inheritance: Autosomal dominant inheritance. Affected: yes.

PreventionGenetics, part of Exact Sciences
Classification: Benign. Review status: criteria provided, single submitter. Criteria: ACMG Guidelines, 2015. Collection method: clinical testing. Allele origin: germline.

ITMI
No classification provided. Condition: AllHighlyPenetrant. Last evaluated: 2013-09-19. Review status: no classification provided. Collection method: reference population. Allele origin: germline. Not counted in ClinVar's aggregate classification.
Comment: Please see associated publication for description of ethnicities

Biesecker Lab/Clinical Genomics Section, National Institutes of Health
Classification: Likely benign. Last evaluated: 2012-07-13. Review status: no assertion criteria provided. Collection method: research. Allele origin: germline. Affected: no. Observed: 1 variant allele. Study: ClinSeq. Not counted in ClinVar's aggregate classification.
ClinVar note: Converted during submission from probably not pathogenic to Likely benign.

Clinical Genetics DNA and cytogenetics Diagnostics Lab, Erasmus MC, Erasmus Medical Center
Classification: Benign. Review status: no assertion criteria provided. Collection method: clinical testing. Allele origin: germline. Affected: yes. Study: VKGL Data-share Consensus. Not counted in ClinVar's aggregate classification.

Clinical Genetics, Academic Medical Center
Classification: Benign. Review status: no assertion criteria provided. Collection method: clinical testing. Allele origin: germline. Affected: yes. Study: VKGL Data-share Consensus. Not counted in ClinVar's aggregate classification.

Genetic Services Laboratory, University of Chicago
Classification: Likely benign for AllHighlyPenetrant. Review status: no assertion criteria provided. Collection method: clinical testing. Allele origin: germline. Inheritance: Autosomal dominant inheritance. Not counted in ClinVar's aggregate classification.
Comment: Likely benign based on allele frequency in 1000 Genomes Project or ESP global frequency and its presence in a patient with a rare or unrelated disease phenotype. NOT Sanger confirmed.

Genome Diagnostics Laboratory, Amsterdam University Medical Center
Classification: Benign. Review status: no assertion criteria provided. Collection method: clinical testing. Allele origin: germline. Affected: yes. Study: VKGL Data-share Consensus. Not counted in ClinVar's aggregate classification.

Tuberous sclerosis database (TSC2)
No classification provided. Condition: TSC. Review status: no classification provided. Criteria: Tuberous Sclerosis Database Assertion Criteria 2015. Collection method: curation. Allele origin: germline. Affected: yes. Not counted in ClinVar's aggregate classification.

Literature cited by the submitters: PubMed 22558107 (cited by Illumina Laboratory Services, Illumina and Athena Diagnostics); PubMed 22161988 (cited by Illumina Laboratory Services, Illumina); PubMed 23514105 (cited by Athena Diagnostics); PubMed 24728327 (cited by ITMI).